The following is an entry in ClinVar:

NM_005477.3(HCN4):c.1267G>A (p.Gly423Ser)

Gene: HCN4 (hyperpolarization activated cyclic nucleotide gated potassium channel 4; minus strand). Cytogenetic location: 15q24.1.
Variant type: single nucleotide variant.
Coding change: c.1267G>A on transcript NM_005477.3 (MANE Select); coding-DNA position 1267, G replaced by A.
Protein change: p.Gly423Ser; replaces glycine 423 with serine.
Molecular consequence: missense variant.
Genome position (GRCh38, 1-based): chr15:73,332,235, C>T on the plus strand (G>A on the coding strand, the complement: HCN4 is on the minus strand). VCF-style: chr15-73332235-C-T. GRCh37 (hg19) VCF-style: chr15-73624576-C-T.
Other names: short protein forms G423S.
Identifiers: ClinVar variation 3705529 (VCV003705529.2).
Genomic context (GRCh38, chr15:73,332,235, plus strand): 5'-GTAGCATGGGTACCAGGAACTGCAGGCAGCCGTCCCAGTGGCAGAGCAGGAGCATCATGC[C>T]GATGAGGTTCACGATGCGCACCACGGCGCTGGCCAGGTCGTAGGTCATGTGGAAGATCTG-3'
Protein context (NP_005468.1, residues 413-433): SAVVRIVNLI[Gly423Ser]MMLLLCHWDG

ClinVar aggregate classification (germline): Uncertain significance (1 of 4 stars; one submission).

Conditions:
Brugada syndrome 8 (BRGDA8). Identifiers: Orphanet 130, MedGen C2751083, MONDO:0013148, OMIM 613123.

gnomAD v4.1: 10 of 1,614,154 alleles (0.00062%); highest among the groups gnomAD compares: Non-Finnish European, 0.00085%; no homozygotes.

Submission:

Labcorp Genetics (formerly Invitae), Labcorp
Classification: Uncertain significance for Brugada syndrome 8. Last evaluated: 2024-04-06. Review status: criteria provided, single submitter. Criteria: Invitae Variant Classification Sherloc (09022015). Collection method: clinical testing. Allele origin: germline.
Comment: This sequence change replaces glycine, which is neutral and non-polar, with serine, which is neutral and polar, at codon 423 of the HCN4 protein (p.Gly423Ser). This variant is present in population databases (rs764988693, gnomAD 0.0009%). This variant has not been reported in the literature in individuals affected with HCN4-related conditions. Advanced modeling of protein sequence and biophysical properties (such as structural, functional, and spatial information, amino acid conservation, physicochemical variation, residue mobility, and thermodynamic stability) performed at Invitae indicates that this missense variant is expected to disrupt HCN4 protein function with a positive predictive value of 80%. In summary, the available evidence is currently insufficient to determine the role of this variant in disease. Therefore, it has been classified as a Variant of Uncertain Significance.